The following is an entry in ClinVar:

NM_201384.3(PLEC):c.1200G>A (p.Lys400=)

Gene: PLEC (plectin; minus strand). Cytogenetic location: 8q24.3.
Variant type: single nucleotide variant.
Coding change: c.1200G>A on transcript NM_201384.3 (MANE Select); coding-DNA position 1200, G replaced by A.
Protein change: p.Lys400=; no amino-acid change (lysine 400 retained).
Molecular consequence: synonymous variant.
Genome position (GRCh38, 1-based): chr8:143,934,061, C>T on the plus strand (G>A on the coding strand, the complement: PLEC is on the minus strand). VCF-style: chr8-143934061-C-T. GRCh37 (hg19) VCF-style: chr8-145008229-C-T.
Other names: c.1281G>A, p.Lys427= (NM_000445.5); c.1158G>A, p.Lys386= (NM_201378.4); c.1134G>A, p.Lys378= (NM_201379.3); c.1611G>A, p.Lys537= (NM_201380.4); c.1104G>A, p.Lys368= (NM_201381.3); c.1200G>A, p.Lys400= (NM_201382.4); c.1212G>A, p.Lys404= (NM_201383.3).
Identifiers: ClinVar variation 513647 (VCV000513647.1), dbSNP rs1554720138, ClinGen allele CA463434676.

ClinVar aggregate classification (germline): Likely benign (1 of 4 stars; one submission).

Allele frequency attached by ClinVar (database versions not stated): TOPMed 0.00001.

Submission:

GeneDx
Classification: Likely benign. Last evaluated: 2017-11-28. Review status: criteria provided, single submitter. Criteria: GeneDx Variant Classification (06012015). Collection method: clinical testing. Allele origin: germline. Affected: yes.
Comment: This variant is considered likely benign or benign based on one or more of the following criteria: it is a conservative change, it occurs at a poorly conserved position in the protein, it is predicted to be benign by multiple in silico algorithms, and/or has population frequency not consistent with disease.